The following is an entry in ClinVar:

ClinVar aggregate classification (germline): Uncertain significance. Review status: criteria provided, multiple submitters, no conflicts (2 of 4 stars). 2 submissions from 2 submitters: Uncertain significance (2). Last evaluated 2025-07-06.

Conditions:
Inborn genetic diseases. Identifiers: MedGen C0950123, MeSH D030342.
CHARGE syndrome (CHARGE). Also called: Hittner Hirsch Kreh syndrome; CHARGE ASSOCIATION--COLOBOMA, HEART ANOMALY, CHOANAL ATRESIA, RETARDATION, GENITAL AND EAR ANOMALIES; Coloboma, heart anomaly, choanal atresia, retardation, genital and ear anomalies; CHARGE association; Hall-Hittner syndrome. Identifiers: Orphanet 138, MedGen C0265354, MONDO:0008965.

gnomAD v4.1: 6 of 1,604,344 alleles (0.00037%); highest among the groups gnomAD compares: African/African-American, 0.008%; no homozygotes.

Submissions (2):

Labcorp Genetics (formerly Invitae), Labcorp
Classification: Uncertain significance for CHARGE syndrome. Last evaluated: 2025-07-06. Review status: criteria provided, single submitter. Criteria: Invitae Variant Classification Sherloc (09022015). Collection method: clinical testing. Allele origin: germline.
Comment: This sequence change replaces aspartic acid, which is acidic and polar, with alanine, which is neutral and non-polar, at codon 619 of the CHD7 protein (p.Asp619Ala). This variant is not present in population databases (gnomAD no frequency). This variant has not been reported in the literature in individuals affected with CHD7-related conditions. ClinVar contains an entry for this variant (Variation ID: 3832857). Invitae Evidence Modeling of protein sequence and biophysical properties (such as structural, functional, and spatial information, amino acid conservation, physicochemical variation, residue mobility, and thermodynamic stability) indicates that this missense variant is not expected to disrupt CHD7 protein function with a negative predictive value of 95%. In summary, the available evidence is currently insufficient to determine the role of this variant in disease. Therefore, it has been classified as a Variant of Uncertain Significance.

Ambry Genetics
Classification: Uncertain significance for Inborn genetic diseases. Last evaluated: 2025-03-08. Review status: criteria provided, single submitter. Criteria: Ambry Variant Classification Scheme 2023. Collection method: clinical testing. Allele origin: germline.

NM_017780.4(CHD7):c.1856A>C (p.Asp619Ala)

Genes: CHD7 (chromodomain helicase DNA binding protein 7; plus strand), LOC126860403 (CDK7 strongly-dependent group 2 enhancer GRCh37_chr8:61693034-61694233; plus strand). Cytogenetic location: 8q12.2.
Variant type: single nucleotide variant.
Coding change: c.1856A>C on transcript NM_017780.4 (MANE Select); coding-DNA position 1856, A replaced by C.
Protein change: p.Asp619Ala; replaces aspartic acid 619 with alanine.
Molecular consequence: missense variant. On other transcripts: intron variant (1).
Genome position (GRCh38, 1-based): chr8:60,781,190, A>C. VCF-style: chr8-60781190-A-C. GRCh37 (hg19) VCF-style: chr8-61693749-A-C.
Other names: c.1716+140A>C (NM_001316690.1); short protein forms D619A.
Identifiers: ClinVar variation 3832857 (VCV003832857.2).